The following is an entry in ClinVar:

NM_020987.5(ANK3):c.12674G>A (p.Arg4225Gln)

Gene: ANK3 (ankyrin 3; minus strand). Cytogenetic location: 10q21.2.
Variant type: single nucleotide variant.
Coding change: c.12674G>A on transcript NM_020987.5 (MANE Select); coding-DNA position 12674, G replaced by A.
Protein change: p.Arg4225Gln; replaces arginine 4225 with glutamine.
Molecular consequence: missense variant.
Genome position (GRCh38, 1-based): chr10:60,059,352, C>T on the plus strand (G>A on the coding strand, the complement: ANK3 is on the minus strand). VCF-style: chr10-60059352-C-T. GRCh37 (hg19) VCF-style: chr10-61819110-C-T.
Other names: c.2546G>A, p.Arg849Gln (NM_001149.4); c.5126G>A, p.Arg1709Gln (NM_001204403.2); c.5147G>A, p.Arg1716Gln (NM_001204404.2); c.5144G>A, p.Arg1715Gln (NM_001320874.2); short protein forms R1709Q, R4225Q, R849Q, R1716Q, R1715Q.
Identifiers: ClinVar variation 1366734 (VCV001366734.6), dbSNP rs769038211, ClinGen allele CA5510763.
Genomic context (GRCh38, chr10:60,059,352, plus strand): 5'-ATTAACAAGTAACCTGTGTTCACTTTCCTTTTTTTGAAACAGCCATACCTGTCATCCAGT[C>T]GATCTAGTAACCCACCAGTTACTCTTCGAGCTTGAGCGCAGGACTCTAGGTTTCCACTTG-3'
Protein context (NP_066267.2, residues 4215-4235): ARRVTGGLLD[Arg4225Gln]LDDSPDQCRD

ClinVar aggregate classification (germline): Uncertain significance (1 of 4 stars; one submission).

Allele frequency attached by ClinVar (database versions not stated): ExAC 0.00001; gnomAD 0.00001 and 0.00002; gnomAD exomes 0.00001.
gnomAD v4.1: 14 of 1,613,838 alleles (0.00087%); highest among the groups gnomAD compares: African/African-American, 0.0067%; no homozygotes.

Submission:

Labcorp Genetics (formerly Invitae), Labcorp
Classification: Uncertain significance. Last evaluated: 2022-10-24. Review status: criteria provided, single submitter. Criteria: Invitae Variant Classification Sherloc (09022015). Collection method: clinical testing. Allele origin: germline.
Comment: This sequence change replaces arginine, which is basic and polar, with glutamine, which is neutral and polar, at codon 4225 of the ANK3 protein (p.Arg4225Gln). This variant is present in population databases (rs769038211, gnomAD 0.02%). This variant has not been reported in the literature in individuals affected with ANK3-related conditions. ClinVar contains an entry for this variant (Variation ID: 1366734). Algorithms developed to predict the effect of missense changes on protein structure and function output the following: SIFT: "Not Available"; PolyPhen-2: "Benign"; Align-GVGD: "Not Available". The glutamine amino acid residue is found in multiple mammalian species, which suggests that this missense change does not adversely affect protein function. In summary, the available evidence is currently insufficient to determine the role of this variant in disease. Therefore, it has been classified as a Variant of Uncertain Significance.